The following is an entry in ClinVar:

NM_001041.4(SI):c.2795A>G (p.Asn932Ser)

Gene: SI (sucrase-isomaltase; minus strand). Cytogenetic location: 3q26.1.
Variant type: single nucleotide variant.
Coding change: c.2795A>G on transcript NM_001041.4 (MANE Select); coding-DNA position 2795, A replaced by G.
Protein change: p.Asn932Ser; replaces asparagine 932 with serine.
Molecular consequence: missense variant.
Genome position (GRCh38, 1-based): chr3:165,030,809, T>C on the plus strand (A>G on the coding strand, the complement: SI is on the minus strand). VCF-style: chr3-165030809-T-C. GRCh37 (hg19) VCF-style: chr3-164748597-T-C.
Other names: c.2795A>G (NM_001041.3); short protein forms N932S.
Identifiers: ClinVar variation 1371460 (VCV001371460.9), dbSNP rs1474224236, ClinGen allele CA355045407.

ClinVar aggregate classification (germline): Uncertain significance. Review status: criteria provided, multiple submitters, no conflicts (2 of 4 stars). 2 submissions from 2 submitters: Uncertain significance (2). Last evaluated 2022-10-03.

Conditions:
Inborn genetic diseases. Identifiers: MedGen C0950123, MeSH D030342.

Allele frequency attached by ClinVar (database versions not stated): gnomAD exomes below 0.00001; gnomAD 0.00001.
gnomAD v4.1: 6 of 1,606,960 alleles (0.00037%); highest among the groups gnomAD compares: African/African-American, 0.0027%; no homozygotes.

Submissions (2):

Ambry Genetics
Classification: Uncertain significance for Inborn genetic diseases. Last evaluated: 2022-10-03. Review status: criteria provided, single submitter. Criteria: Ambry Variant Classification Scheme 2023. Collection method: clinical testing. Allele origin: germline.

Labcorp Genetics (formerly Invitae), Labcorp
Classification: Uncertain significance. Last evaluated: 2021-04-17. Review status: criteria provided, single submitter. Criteria: Invitae Variant Classification Sherloc (09022015). Collection method: clinical testing. Allele origin: germline.
Comment: In summary, the available evidence is currently insufficient to determine the role of this variant in disease. Therefore, it has been classified as a Variant of Uncertain Significance. Advanced modeling of protein sequence and biophysical properties (such as structural, functional, and spatial information, amino acid conservation, physicochemical variation, residue mobility, and thermodynamic stability) performed at Invitae indicates that this missense variant is not expected to disrupt SI protein function. This variant has not been reported in the literature in individuals with SI-related conditions. This variant is not present in population databases (ExAC no frequency). This sequence change replaces asparagine with serine at codon 932 of the SI protein (p.Asn932Ser). The asparagine residue is weakly conserved and there is a small physicochemical difference between asparagine and serine.